The following is an entry in ClinVar:

NM_000170.3(GLDC):c.1791G>C (p.Glu597Asp)

Gene: GLDC (glycine decarboxylase; minus strand). Cytogenetic location: 9p24.1.
Variant type: single nucleotide variant.
Coding change: c.1791G>C on transcript NM_000170.3 (MANE Select); coding-DNA position 1791, G replaced by C.
Protein change: p.Glu597Asp; replaces glutamic acid 597 with aspartic acid.
Molecular consequence: missense variant.
Genome position (GRCh38, 1-based): chr9:6,587,200, C>G on the plus strand (G>C on the coding strand, the complement: GLDC is on the minus strand). VCF-style: chr9-6587200-C-G. GRCh37 (hg19) VCF-style: chr9-6587200-C-G.
Other names: short protein forms E597D.
Identifiers: ClinVar variation 833693 (VCV000833693.14), dbSNP rs141875337, ClinGen allele CA4980536.

ClinVar aggregate classification (germline): Conflicting classifications of pathogenicity. Review status: criteria provided, conflicting classifications (1 of 4 stars). 3 submissions from 3 submitters: Uncertain significance (1); Likely benign (1). 1 of the submissions does not count toward it. Last evaluated 2026-02-04.

Conditions:
Glycine encephalopathy. Also called: Nonketotic hyperglycinemia; Non-ketotic hyperglycinemia. Identifiers: Orphanet 407, MedGen C0751748, MONDO:0011612, HP:0008288.

Allele frequency attached by ClinVar (database versions not stated): gnomAD exomes 0.00001 and 0.00005; ExAC 0.00007; TOPMed 0.00014; ESP Exome Variant Server 0.00038.
gnomAD v4.1: 43 of 1,613,904 alleles (0.0027%); highest among the groups gnomAD compares: African/African-American, 0.041%; no homozygotes.

Submissions (3):

Labcorp Genetics (formerly Invitae), Labcorp
Classification: Likely benign for Glycine encephalopathy. Last evaluated: 2026-02-04. Review status: criteria provided, single submitter. Criteria: Invitae Variant Classification Sherloc (09022015). Collection method: clinical testing. Allele origin: germline.

GeneDx
Classification: Uncertain significance. Last evaluated: 2025-06-17. Review status: criteria provided, single submitter. Criteria: GeneDx Variant Classification Process June 2021. Collection method: clinical testing. Allele origin: germline. Affected: yes.
Comment: In silico analysis suggests that this missense variant does not alter protein structure/function; Has not been previously published as pathogenic or benign to our knowledge

Natera, Inc.
Classification: Uncertain significance for Non-ketotic hyperglycinemia. Last evaluated: 2020-03-17. Review status: no assertion criteria provided. Collection method: clinical testing. Allele origin: germline. Not counted in ClinVar's aggregate classification.